The following is an entry in ClinVar:

ClinVar aggregate classification (germline): Uncertain significance (1 of 4 stars; one submission).

Conditions:
Hereditary cancer-predisposing syndrome. Also called: Tumor predisposition; Hereditary neoplastic syndrome; Hereditary Cancer Syndrome; Neoplastic Syndromes, Hereditary. Identifiers: Orphanet 140162, MedGen C0027672, MeSH D009386, MONDO:0015356.

Submission:

Ambry Genetics
Classification: Uncertain significance for Hereditary cancer-predisposing syndrome. Last evaluated: 2023-12-31. Review status: criteria provided, single submitter. Criteria: Ambry Variant Classification Scheme 2023. Collection method: clinical testing. Allele origin: germline.
Comment: The p.Q406R variant (also known as c.1217A>G), located in coding exon 8 of the MSH3 gene, results from an A to G substitution at nucleotide position 1217. The glutamine at codon 406 is replaced by arginine, an amino acid with highly similar properties. This amino acid position is conserved. In addition, this alteration is predicted to be tolerated by in silico analysis. Since supporting evidence is limited at this time, the clinical significance of this alteration remains unclear.

NM_002439.5(MSH3):c.1217A>G (p.Gln406Arg)

Gene: MSH3 (mutS homolog 3; plus strand). Cytogenetic location: 5q14.1.
Variant type: single nucleotide variant.
Coding change: c.1217A>G on transcript NM_002439.5 (MANE Select); coding-DNA position 1217, A replaced by G.
Protein change: p.Gln406Arg; replaces glutamine 406 with arginine.
Molecular consequence: missense variant.
Genome position (GRCh38, 1-based): chr5:80,678,970, A>G. VCF-style: chr5-80678970-A-G. GRCh37 (hg19) VCF-style: chr5-79974789-A-G.
Other names: short protein forms Q406R.
Identifiers: ClinVar variation 3222229 (VCV003222229.1), dbSNP rs2546726574, ClinGen allele CA360268907.